The following is an entry in ClinVar:

NM_005902.4(SMAD3):c.311G>A (p.Arg104Gln)

Gene: SMAD3 (SMAD family member 3; plus strand). Cytogenetic location: 15q22.33.
Variant type: single nucleotide variant.
Coding change: c.311G>A on transcript NM_005902.4 (MANE Select); coding-DNA position 311, G replaced by A.
Protein change: p.Arg104Gln; replaces arginine 104 with glutamine.
Molecular consequence: missense variant. On other transcripts: 5 prime UTR variant (1).
Genome position (GRCh38, 1-based): chr15:67,164,999, G>A. VCF-style: chr15-67164999-G-A. GRCh37 (hg19) VCF-style: chr15-67457337-G-A.
Other names: c.311G>A, p.Arg104Gln (NM_001407013.1, NM_001407011.1, NM_001407012.1); c.164G>A, p.Arg55Gln (NM_001407014.1); c.-5G>A (NM_001407015.1, NM_001407016.1, NM_001145102.2); c.179G>A, p.Arg60Gln (NM_001145103.2); short protein forms R60Q, R104Q, R55Q.
Identifiers: ClinVar variation 1727845 (VCV001727845.4), dbSNP rs769657093, ClinGen allele CA062114.
Genomic context (GRCh38, chr15:67,164,999, plus strand): 5'-CTCATGTCATCTACTGCCGCCTGTGGCGATGGCCAGACCTGCACAGCCACCACGAGCTAC[G>A]GGCCATGGAGCTGTGTGAGTTCGCCTTCAATATGAAGAAGGACGAGGTCTGCGTGAATCC-3'
Protein context (NP_005893.1, residues 94-114): WPDLHSHHEL[Arg104Gln]AMELCEFAFN

ClinVar aggregate classification (germline): Uncertain significance. Review status: criteria provided, multiple submitters, no conflicts (2 of 4 stars). 3 submissions from 3 submitters: Uncertain significance (3). Last evaluated 2025-10-12.

Conditions:
Familial thoracic aortic aneurysm and aortic dissection (TAAD). Also called: Thoracic aortic aneurysms and dissections. Identifiers: Orphanet 91387, MedGen C4707243, MONDO:0019625.

Allele frequency attached by ClinVar (database versions not stated): ExAC 0.00001.
gnomAD v4.1: 35 of 1,613,988 alleles (0.0022%); highest among the groups gnomAD compares: Non-Finnish European, 0.0027%; no homozygotes.

Submissions (3):

Labcorp Genetics (formerly Invitae), Labcorp
Classification: Uncertain significance for Familial thoracic aortic aneurysm and aortic dissection. Last evaluated: 2025-10-12. Review status: criteria provided, single submitter. Criteria: Invitae Variant Classification Sherloc (09022015). Collection method: clinical testing. Allele origin: germline.
Comment: This sequence change replaces arginine, which is basic and polar, with glutamine, which is neutral and polar, at codon 104 of the SMAD3 protein (p.Arg104Gln). This variant is present in population databases (rs769657093, gnomAD 0.004%). This variant has not been reported in the literature in individuals affected with SMAD3-related conditions. ClinVar contains an entry for this variant (Variation ID: 1727845). Invitae Evidence Modeling incorporating data from in vitro experimental studies (internal data) indicates that this missense variant is not expected to disrupt SMAD3 function with a negative predictive value of 95%. In summary, the available evidence is currently insufficient to determine the role of this variant in disease. Therefore, it has been classified as a Variant of Uncertain Significance.

GeneDx
Classification: Uncertain significance. Last evaluated: 2024-06-14. Review status: criteria provided, single submitter. Criteria: GeneDx Variant Classification Process June 2021. Collection method: clinical testing. Allele origin: germline. Affected: yes.
Comment: Not observed at significant frequency in large population cohorts (gnomAD); In silico analysis supports that this missense variant has a deleterious effect on protein structure/function; Has not been previously published as pathogenic or benign to our knowledge

Ambry Genetics
Classification: Uncertain significance for Familial thoracic aortic aneurysm and aortic dissection. Last evaluated: 2021-06-30. Review status: criteria provided, single submitter. Criteria: Ambry Variant Classification Scheme 2023. Collection method: clinical testing. Allele origin: germline.
Comment: The p.R104Q variant (also known as c.311G>A), located in coding exon 2 of the SMAD3 gene, results from a G to A substitution at nucleotide position 311. The arginine at codon 104 is replaced by glutamine, an amino acid with highly similar properties. This amino acid position is highly conserved in available vertebrate species. In addition, the in silico prediction for this alteration is inconclusive. Since supporting evidence is limited at this time, the clinical significance of this alteration remains unclear.